The following is an entry in ClinVar:

ClinVar aggregate classification (germline): Uncertain significance. Review status: criteria provided, multiple submitters, no conflicts (2 of 4 stars). 3 submissions from 3 submitters: Uncertain significance (3). Last evaluated 2024-10-15.

Conditions:
Donnai-Barrow syndrome. Also called: DBS/FOAR SYNDROME; FACIOOCULOACOUSTICORENAL SYNDROME. Identifiers: Orphanet 2143, MedGen C1857277, MONDO:0009104, OMIM 222448.

Allele frequency attached by ClinVar (database versions not stated): gnomAD exomes 0.00002 and 0.00006; ExAC 0.00003; ESP Exome Variant Server 0.00008; 1000 Genomes Project 30x 0.00016; 1000 Genomes Project 0.00020; gnomAD 0.00021 and 0.00024; TOPMed 0.00029.
gnomAD v4.1: 66 of 1,591,150 alleles (0.0041%); highest among the groups gnomAD compares: African/African-American, 0.06%; no homozygotes.

Submissions (3):

Women's Health and Genetics/Laboratory Corporation of America, LabCorp
Classification: Uncertain significance. Last evaluated: 2024-10-15. Review status: criteria provided, single submitter. Criteria: LabCorp Variant Classification Summary - May 2015. Collection method: clinical testing. Allele origin: germline.

Fulgent Genetics
Classification: Uncertain significance for Donnai-Barrow syndrome. Last evaluated: 2024-04-05. Review status: criteria provided, single submitter. Criteria: ACMG Guidelines, 2015. Collection method: clinical testing. Allele origin: germline.

Labcorp Genetics (formerly Invitae), Labcorp
Classification: Uncertain significance. Last evaluated: 2022-09-27. Review status: criteria provided, single submitter. Criteria: Invitae Variant Classification Sherloc (09022015). Collection method: clinical testing. Allele origin: germline.
Comment: This sequence change falls in intron 6 of the LRP2 gene. It does not directly change the encoded amino acid sequence of the LRP2 protein. It affects a nucleotide within the consensus splice site. This variant is present in population databases (rs192813501, gnomAD 0.07%). This variant has not been reported in the literature in individuals affected with LRP2-related conditions. ClinVar contains an entry for this variant (Variation ID: 1412453). Variants that disrupt the consensus splice site are a relatively common cause of aberrant splicing (PMID: 17576681, 9536098). Algorithms developed to predict the effect of sequence changes on RNA splicing suggest that this variant is not likely to affect RNA splicing. In summary, the available evidence is currently insufficient to determine the role of this variant in disease. Therefore, it has been classified as a Variant of Uncertain Significance.

Literature cited by the submitters: PubMed 17576681 (cited by Labcorp Genetics (formerly Invitae), Labcorp); PubMed 9536098 (cited by Labcorp Genetics (formerly Invitae), Labcorp).

NM_004525.3(LRP2):c.652+4C>T

Gene: LRP2 (LDL receptor related protein 2; minus strand). Cytogenetic location: 2q31.1.
Variant type: single nucleotide variant.
Coding change: c.652+4C>T on transcript NM_004525.3 (MANE Select); 4 bases into the intron after coding-DNA position 652, C replaced by T.
Molecular consequence: intron variant.
Genome position (GRCh38, 1-based): chr2:169,294,144, G>A on the plus strand (C>T on the coding strand, the complement: LRP2 is on the minus strand). VCF-style: chr2-169294144-G-A. GRCh37 (hg19) VCF-style: chr2-170150654-G-A.
Identifiers: ClinVar variation 1412453 (VCV001412453.6), dbSNP rs192813501, ClinGen allele CA1955811.